The following is an entry in ClinVar:

ClinVar aggregate classification (germline): Uncertain significance. Review status: criteria provided, single submitter (1 of 4 stars). 2 submissions from 2 submitters: Uncertain significance (1). 1 of the submissions does not count toward it. Last evaluated 2024-03-25.

Conditions:
Deficiency of UDPglucose-hexose-1-phosphate uridylyltransferase. Also called: GALT deficiency; Galactosemia, classic; Transferase Deficiency Galactosemia; GALACTOSEMIA I; GALACTOSE-1-PHOSPHATE URIDYLYLTRANSFERASE DEFICIENCY. Identifiers: Orphanet 352, Orphanet 79239, MedGen C0268151, MONDO:0009258, OMIM 230400.

Submissions (2):

Women's Health and Genetics/Laboratory Corporation of America, LabCorp
Classification: Uncertain significance. Last evaluated: 2024-03-25. Review status: criteria provided, single submitter. Criteria: LabCorp Variant Classification Summary - May 2015. Collection method: clinical testing. Allele origin: germline.
Comment: Variant summary: GALT c.-96T>G is located in the untranscribed region upstream of the GALT gene region. The variant was absent in 31388 control chromosomes (gnomAD). The available data on variant occurrences in the general population are insufficient to allow any conclusion about variant significance. c.-96T>G has been reported in the literature as a compound heterozygous genotype together with a pathogenic variant in an individual affected with Galactosemia (Welling_2017). These data do not allow any conclusion about variant significance. To our knowledge, no experimental evidence demonstrating an impact on protein function has been reported. The following publications have been ascertained in the context of this evaluation (PMID: 28065439, 31954591, 31845337). ClinVar contains an entry for this variant (Variation ID: 555856). Based on the evidence outlined above, the variant was classified as uncertain significance.

Counsyl
Classification: Uncertain significance for Deficiency of UDPglucose-hexose-1-phosphate uridylyltransferase. Last evaluated: 2017-12-29. Review status: no assertion criteria provided. Collection method: clinical testing. Allele origin: unknown. Not counted in ClinVar's aggregate classification.

Literature cited by the submitters: PubMed 28065439 (cited by Women's Health and Genetics/Laboratory Corporation of America, LabCorp and Counsyl); PubMed 31954591 (cited by Women's Health and Genetics/Laboratory Corporation of America, LabCorp); PubMed 31845337 (cited by Women's Health and Genetics/Laboratory Corporation of America, LabCorp).

NM_000155.4(GALT):c.-96T>G

Gene: GALT (galactose-1-phosphate uridylyltransferase; plus strand). Cytogenetic location: 9p13.3.
Variant type: single nucleotide variant.
Coding change: c.-96T>G on transcript NM_000155.4 (MANE Select); 96 bases upstream of the start codon, T replaced by G.
Genome position (GRCh38, 1-based): chr9:34,646,609, T>G. VCF-style: chr9-34646609-T-G. GRCh37 (hg19) VCF-style: chr9-34646606-T-G.
Identifiers: ClinVar variation 555856 (VCV000555856.5), dbSNP rs1554709099, ClinGen allele CA658822587.